The following is an entry in ClinVar:

NM_020919.4(ALS2):c.1009C>T (p.Pro337Ser)

Gene: ALS2 (alsin Rho guanine nucleotide exchange factor ALS2; minus strand). Cytogenetic location: 2q33.1.
Variant type: single nucleotide variant.
Coding change: c.1009C>T on transcript NM_020919.4 (MANE Select); coding-DNA position 1009, C replaced by T.
Protein change: p.Pro337Ser; replaces proline 337 with serine.
Molecular consequence: missense variant.
Genome position (GRCh38, 1-based): chr2:201,760,985, G>A on the plus strand (C>T on the coding strand, the complement: ALS2 is on the minus strand). VCF-style: chr2-201760985-G-A. GRCh37 (hg19) VCF-style: chr2-202625708-G-A.
Other names: c.1009C>T, p.Pro337Ser (NM_001135745.2); short protein forms P337S.
Identifiers: ClinVar variation 1048988 (VCV001048988.1), dbSNP rs752311938, ClinGen allele CA2058562.

ClinVar aggregate classification (germline): Uncertain significance (0 of 4 stars; one submission).

Allele frequency attached by ClinVar (database versions not stated): ExAC 0.00001.
gnomAD v4.1: 17 of 1,614,026 alleles (0.0011%); highest among the groups gnomAD compares: African/African-American, 0.0053%; no homozygotes.

Submission:

Department of Pathology and Laboratory Medicine, Sinai Health System
Classification: Uncertain significance. Review status: no assertion criteria provided. Collection method: clinical testing. Allele origin: unknown. Affected: yes. Study: The Canadian Open Genetics Repository (COGR).
Comment: The ALS2 p.Pro337Ser variant was not identified in the literature nor was it identified in ClinVar or LOVD 3.0. The variant was identified in dbSNP (ID: rs752311938) and in control databases in 3 of 249580 chromosomes at a frequency of 0.00001202 (Genome Aggregation Database March 6, 2019, v2.1.1). The variant was observed in the following populations: African in 1 of 15486 chromosomes (freq: 0.000065), Latino in 1 of 34528 chromosomes (freq: 0.000029) and European (non-Finnish) in 1 of 113290 chromosomes (freq: 0.000009), but was not observed in the Ashkenazi Jewish, East Asian, European (Finnish), Other, or South Asian populations. The p.Pro337 residue is conserved in mammals but not in more distantly related organisms however computational analyses (PolyPhen-2, SIFT, AlignGVGD, BLOSUM, MutationTaster) do not suggest a high likelihood of impact to the protein; this information is not predictive enough to rule out pathogenicity. The variant occurs outside of the splicing consensus sequence and in silico or computational prediction software programs (SpliceSiteFinder, MaxEntScan, NNSPLICE, GeneSplicer) do not predict a difference in splicing. In summary, based on the above information the clinical significance of this variant cannot be determined with certainty at this time. This variant is classified as a variant of uncertain significance.